The following is an entry in ClinVar:

NM_024301.5(FKRP):c.1006G>A (p.Ala336Thr)

Gene: FKRP (fukutin related protein; plus strand). Cytogenetic location: 19q13.32.
Variant type: single nucleotide variant.
Coding change: c.1006G>A on transcript NM_024301.5 (MANE Select); coding-DNA position 1006, G replaced by A.
Protein change: p.Ala336Thr; replaces alanine 336 with threonine.
Molecular consequence: missense variant.
Genome position (GRCh38, 1-based): chr19:46,756,456, G>A. VCF-style: chr19-46756456-G-A. GRCh37 (hg19) VCF-style: chr19-47259713-G-A.
Other names: c.1006G>A, p.Ala336Thr (NM_001039885.3); short protein forms A336T.
Identifiers: ClinVar variation 1382265 (VCV001382265.3), dbSNP rs2054926771, ClinGen allele CA406496453.
Genomic context (GRCh38, chr19:46,756,456, plus strand): 5'-CCCTGCTGCCTGCGCGCGCTGCGCGAGACCGCCCGCTATGTGGTGGGCGTGCTGGAGGCT[G>A]CGGGCGTGCGCTACTGGCTCGAGGGCGGCTCACTGCTGGGGGCCGCCCGCCACGGGGACA-3'
Protein context (NP_077277.1, residues 326-346): ARYVVGVLEA[Ala336Thr]GVRYWLEGGS

ClinVar aggregate classification (germline): Uncertain significance (1 of 4 stars; one submission).

Conditions:
Walker-Warburg congenital muscular dystrophy. Also called: Walker-Warburg syndrome; Muscular dystrophy-dystroglycanopathy, type A. Identifiers: Orphanet 899, MedGen C0265221, MONDO:0000171.

Allele frequency attached by ClinVar (database versions not stated): gnomAD exomes below 0.00001; TOPMed below 0.00001.
gnomAD v4.1: 1 of 1,584,852 alleles (0.000063%); highest among the groups gnomAD compares: Non-Finnish European, 0.000086%; no homozygotes.

Submission:

Labcorp Genetics (formerly Invitae), Labcorp
Classification: Uncertain significance for Walker-Warburg congenital muscular dystrophy. Last evaluated: 2021-10-01. Review status: criteria provided, single submitter. Criteria: Invitae Variant Classification Sherloc (09022015). Collection method: clinical testing. Allele origin: germline.
Comment: This sequence change replaces alanine with threonine at codon 336 of the FKRP protein (p.Ala336Thr). The alanine residue is moderately conserved and there is a small physicochemical difference between alanine and threonine. This variant is not present in population databases (ExAC no frequency). This variant has not been reported in the literature in individuals affected with FKRP-related conditions. Algorithms developed to predict the effect of missense changes on protein structure and function (SIFT, PolyPhen-2, Align-GVGD) all suggest that this variant is likely to be tolerated. In summary, the available evidence is currently insufficient to determine the role of this variant in disease. Therefore, it has been classified as a Variant of Uncertain Significance.